The following is an entry in ClinVar:

NM_000059.4(BRCA2):c.5816T>A (p.Leu1939Ter)

Gene: BRCA2 (BRCA2 DNA repair associated; plus strand). Cytogenetic location: 13q13.1.
Variant type: single nucleotide variant.
Coding change: c.5816T>A on transcript NM_000059.4 (MANE Select); coding-DNA position 5816, T replaced by A.
Protein change: p.Leu1939Ter; replaces leucine 1939 with a stop codon.
Molecular consequence: nonsense.
Genome position (GRCh38, 1-based): chr13:32,340,171, T>A. VCF-style: chr13-32340171-T-A. GRCh37 (hg19) VCF-style: chr13-32914308-T-A.
Other names: short protein forms L1939*.
Identifiers: ClinVar variation 952937 (VCV000952937.8), dbSNP rs2072539219, ClinGen allele CA387787266.

ClinVar aggregate classification (germline): Pathogenic (1 of 4 stars; one submission).

Conditions:
Hereditary breast ovarian cancer syndrome. Also called: Hereditary breast and ovarian cancer; Hereditary breast and/or ovarian cancer syndrome; Hereditary breast and ovarian cancer syndrome; Hereditary breast and ovarian cancer syndrome (HBOC); BRCA1- and BRCA2-Associated Hereditary Breast and Ovarian Cancer; Breast and ovarian cancer. Identifiers: Orphanet 145, MedGen C0677776, MeSH D061325, MONDO:0003582. Disease mechanism: loss of function.

Submission:

Labcorp Genetics (formerly Invitae), Labcorp
Classification: Pathogenic for Hereditary breast ovarian cancer syndrome. Last evaluated: 2022-10-05. Review status: criteria provided, single submitter. Criteria: Invitae Variant Classification Sherloc (09022015). Collection method: clinical testing. Allele origin: germline.
Comment: Algorithms developed to predict the effect of sequence changes on RNA splicing suggest that this variant may create or strengthen a splice site. For these reasons, this variant has been classified as Pathogenic. ClinVar contains an entry for this variant (Variation ID: 952937). This variant has not been reported in the literature in individuals affected with BRCA2-related conditions. This variant is not present in population databases (gnomAD no frequency). This sequence change creates a premature translational stop signal (p.Leu1939*) in the BRCA2 gene. It is expected to result in an absent or disrupted protein product. Loss-of-function variants in BRCA2 are known to be pathogenic (PMID: 20104584).

Literature cited by the submitters: PubMed 20104584.